The following is an entry in ClinVar:

NM_001136018.4(EPHX1):c.204T>C (p.Asp68=)

Gene: EPHX1 (epoxide hydrolase 1; plus strand). Cytogenetic location: 1q42.12.
Variant type: single nucleotide variant.
Coding change: c.204T>C on transcript NM_001136018.4 (MANE Select); coding-DNA position 204, T replaced by C.
Protein change: p.Asp68=; no amino-acid change (aspartic acid 68 retained).
Molecular consequence: synonymous variant. On other transcripts: non-coding transcript variant (4).
Genome position (GRCh38, 1-based): chr1:225,831,799, T>C. VCF-style: chr1-225831799-T-C. GRCh37 (hg19) VCF-style: chr1-226019500-T-C.
Other names: c.204T>C, p.Asp68= (NM_000120.4, NM_001291163.2, NM_001378426.1 and 5 more transcripts); c.177T>C, p.Asp59= (NM_001378428.1).
Identifiers: ClinVar variation 3037613 (VCV003037613.2), dbSNP rs2234698, ClinGen allele CA1418333.

ClinVar aggregate classification (germline): Benign (0 of 4 stars; one submission).

Conditions:
EPHX1-related disorder. Also called: EPHX1-related condition.

Allele frequency attached by ClinVar (database versions not stated): 1000 Genomes Project 30x 0.00640; 1000 Genomes Project 0.00659; gnomAD 0.01174; ExAC 0.01194; TOPMed 0.01203; ESP Exome Variant Server 0.01361.
gnomAD v4.1: 29,148 of 1,614,094 alleles (1.8%); highest among the groups gnomAD compares: Non-Finnish European, 2.3%; 321 homozygotes.

Submission:

PreventionGenetics, part of Exact Sciences
Classification: Benign for EPHX1-related condition. Last evaluated: 2019-07-16. Review status: no assertion criteria provided. Collection method: clinical testing. Allele origin: germline.
Comment: This variant is classified as benign based on ACMG/AMP sequence variant interpretation guidelines (Richards et al. 2015 PMID: 25741868, with internal and published modifications).